The following is an entry in ClinVar:

NM_014009.4(FOXP3):c.851C>T (p.Ala284Val)

Gene: FOXP3 (forkhead box P3; minus strand). Cytogenetic location: Xp11.23.
Variant type: single nucleotide variant.
Coding change: c.851C>T on transcript NM_014009.4 (MANE Select); coding-DNA position 851, C replaced by T.
Protein change: p.Ala284Val; replaces alanine 284 with valine.
Molecular consequence: missense variant.
Genome position (GRCh38, 1-based): chrX:49,254,033, G>A on the plus strand (C>T on the coding strand, the complement: FOXP3 is on the minus strand). VCF-style: chrX-49254033-G-A. GRCh37 (hg19) VCF-style: chrX-49110494-G-A.
Other names: c.746C>T, p.Ala249Val (NM_001114377.2); short protein forms A284V, A249V.
Identifiers: ClinVar variation 1985495 (VCV001985495.2), dbSNP rs1328625937, ClinGen allele CA412950767.

ClinVar aggregate classification (germline): Uncertain significance (1 of 4 stars; one submission).

Conditions:
Insulin-dependent diabetes mellitus secretory diarrhea syndrome (IPEX). Also called: IPEX and IPEX-Like; DIABETES MELLITUS, CONGENITAL INSULIN-DEPENDENT, WITH FATAL SECRETORY DIARRHEA; DIARRHEA, POLYENDOCRINOPATHY, FATAL INFECTION SYNDROME, X-LINKED; ENTEROPATHY, AUTOIMMUNE, WITH HEMOLYTIC ANEMIA AND POLYENDOCRINOPATHY; IMMUNODEFICIENCY, POLYENDOCRINOPATHY, AND ENTEROPATHY, X-LINKED; X-Linked Autoimmunity-Allergic Dysregulation Syndrome. Identifiers: Orphanet 37042, MedGen C0342288, MONDO:0010580, OMIM 304790. Disease mechanism: loss of function.

Allele frequency attached by ClinVar (database versions not stated): gnomAD 0.00001; gnomAD exomes 0.00001; TOPMed 0.00001.

Submission:

Labcorp Genetics (formerly Invitae), Labcorp
Classification: Uncertain significance for Insulin-dependent diabetes mellitus secretory diarrhea syndrome. Last evaluated: 2026-01-11. Review status: criteria provided, single submitter. Criteria: Invitae Variant Classification Sherloc (09022015). Collection method: clinical testing. Allele origin: germline.
Comment: This sequence change replaces alanine, which is neutral and non-polar, with valine, which is neutral and non-polar, at codon 284 of the FOXP3 protein (p.Ala284Val). This variant is not present in population databases (gnomAD no frequency). This variant has not been reported in the literature in individuals affected with FOXP3-related conditions. ClinVar contains an entry for this variant (Variation ID: 1985495). Invitae Evidence Modeling of protein sequence and biophysical properties (such as structural, functional, and spatial information, amino acid conservation, physicochemical variation, residue mobility, and thermodynamic stability) indicates that this missense variant is not expected to disrupt FOXP3 protein function with a negative predictive value of 80%. In summary, the available evidence is currently insufficient to determine the role of this variant in disease. Therefore, it has been classified as a Variant of Uncertain Significance.